The following is an entry in ClinVar:

ClinVar aggregate classification (germline): Likely benign. Review status: criteria provided, multiple submitters, no conflicts (2 of 4 stars). 3 submissions from 3 submitters: Likely benign (2). 1 of the submissions does not count toward it. Last evaluated 2025-10-27.

Conditions:
WDR4-related disorder. Also called: WDR4-Related Disorders; WDR4-related condition.
Inborn genetic diseases. Identifiers: MedGen C0950123, MeSH D030342.

Allele frequency attached by ClinVar (database versions not stated): 1000 Genomes Project 30x 0.00031; 1000 Genomes Project 0.00040.
gnomAD v4.1: 113 of 1,613,196 alleles (0.007%); highest among the groups gnomAD compares: East Asian, 0.25%; no homozygotes.

Submissions (3):

Labcorp Genetics (formerly Invitae), Labcorp
Classification: Likely benign. Last evaluated: 2025-10-27. Review status: criteria provided, single submitter. Criteria: Invitae Variant Classification Sherloc (09022015). Collection method: clinical testing. Allele origin: germline.

Ambry Genetics
Classification: Likely benign for Inborn genetic diseases. Last evaluated: 2023-02-27. Review status: criteria provided, single submitter. Criteria: Ambry Variant Classification Scheme 2023. Collection method: clinical testing. Allele origin: germline.

PreventionGenetics, part of Exact Sciences
Classification: Likely benign for WDR4-related condition. Last evaluated: 2023-10-02. Review status: no assertion criteria provided. Collection method: clinical testing. Allele origin: germline. Not counted in ClinVar's aggregate classification.
Comment: This variant is classified as likely benign based on ACMG/AMP sequence variant interpretation guidelines (Richards et al. 2015 PMID: 25741868, with internal and published modifications).

NM_018669.6(WDR4):c.301G>C (p.Val101Leu)

Gene: WDR4 (WDR4 tRNA N7-guanosine methyltransferase non-catalytic subunit; minus strand). Cytogenetic location: 21q22.3.
Variant type: single nucleotide variant.
Coding change: c.301G>C on transcript NM_018669.6 (MANE Select); coding-DNA position 301, G replaced by C.
Protein change: p.Val101Leu; replaces valine 101 with leucine.
Molecular consequence: missense variant. On other transcripts: 5 prime UTR variant (3), non-coding transcript variant (1).
Genome position (GRCh38, 1-based): chr21:42,863,592, C>G on the plus strand (G>C on the coding strand, the complement: WDR4 is on the minus strand). VCF-style: chr21-42863592-C-G. GRCh37 (hg19) VCF-style: chr21-44283702-C-G.
Other names: c.301G>C, p.Val101Leu (NM_001260474.2, NM_033661.5); c.-138G>C (NM_001260475.2, NM_001260476.2, NM_001260477.2 and 1 more transcripts); c.301G>C (NM_018669.4, NM_033661.4); short protein forms V101L.
Identifiers: ClinVar variation 1922002 (VCV001922002.9), dbSNP rs537320957, ClinGen allele CA10046178.